The following is an entry in ClinVar:

ClinVar aggregate classification (germline): Uncertain significance. Review status: criteria provided, multiple submitters, no conflicts (2 of 4 stars). 2 submissions from 2 submitters: Uncertain significance (2). Last evaluated 2025-09-15.

Conditions:
Brugada syndrome 6 (BRGDA6). Identifiers: Orphanet 130, MedGen C2751089, MONDO:0013145, OMIM 613119.
Cardiovascular phenotype. Identifiers: MedGen CN230736.

Allele frequency attached by ClinVar (database versions not stated): TOPMed 0.00001.
gnomAD v4.1: 19 of 1,613,812 alleles (0.0012%); highest among the groups gnomAD compares: Non-Finnish European, 0.0015%; no homozygotes.

Submissions (2):

Ambry Genetics
Classification: Uncertain significance for Cardiovascular phenotype. Last evaluated: 2025-09-15. Review status: criteria provided, single submitter. Criteria: Ambry Variant Classification Scheme 2023. Collection method: clinical testing. Allele origin: germline.
Comment: The p.H93Q variant (also known as c.279T>A), located in coding exon 1 of the KCNE3 gene, results from a T to A substitution at nucleotide position 279. The histidine at codon 93 is replaced by glutamine, an amino acid with highly similar properties. This amino acid position is highly conserved in available vertebrate species. In addition, this alteration is predicted to be deleterious by in silico analysis. The evidence for this gene-disease relationship is limited; therefore, the clinical significance of this alteration is unclear.

Labcorp Genetics (formerly Invitae), Labcorp
Classification: Uncertain significance for Brugada syndrome 6. Last evaluated: 2025-01-01. Review status: criteria provided, single submitter. Criteria: Invitae Variant Classification Sherloc (09022015). Collection method: clinical testing. Allele origin: germline.
Comment: This sequence change replaces histidine, which is basic and polar, with glutamine, which is neutral and polar, at codon 93 of the KCNE3 protein (p.His93Gln). This variant is present in population databases (rs199972628, gnomAD 0.007%). This variant has not been reported in the literature in individuals affected with KCNE3-related conditions. ClinVar contains an entry for this variant (Variation ID: 843374). An algorithm developed to predict the effect of missense changes on protein structure and function (PolyPhen-2) suggests that this variant is likely to be disruptive. In summary, the available evidence is currently insufficient to determine the role of this variant in disease. Therefore, it has been classified as a Variant of Uncertain Significance.

NM_005472.5(KCNE3):c.279T>A (p.His93Gln)

Gene: KCNE3 (potassium voltage-gated channel subfamily E regulatory subunit 3; minus strand). Cytogenetic location: 11q13.4.
Variant type: single nucleotide variant.
Coding change: c.279T>A on transcript NM_005472.5 (MANE Select); coding-DNA position 279, T replaced by A.
Protein change: p.His93Gln; replaces histidine 93 with glutamine.
Molecular consequence: missense variant.
Genome position (GRCh38, 1-based): chr11:74,457,285, A>T on the plus strand (T>A on the coding strand, the complement: KCNE3 is on the minus strand). VCF-style: chr11-74457285-A-T. GRCh37 (hg19) VCF-style: chr11-74168330-A-T.
Other names: short protein forms H93Q.
Identifiers: ClinVar variation 843374 (VCV000843374.10), dbSNP rs199972628, ClinGen allele CA224975649.
Genomic context (GRCh38, chr11:74,457,285, plus strand): 5'-GTCTTCCACCGTCCCAGCCCTCTCGTGTTAGATCATAGACACACGGTTCTTGATATACAC[A>T]TGATAGGGGTCACTACGCTTGTCCACTTTGCGGGAGCGGGTGTATCCCAGGATGAGGCTG-3'
Protein context (NP_005463.1, residues 83-103): RKVDKRSDPY[His93Gln]VYIKNRVSMI